The following is an entry in ClinVar:

NM_020831.6(MRTFA):c.502G>T (p.Asp168Tyr)

Gene: MRTFA (myocardin related transcription factor A; minus strand). Cytogenetic location: 22q13.1.
Variant type: single nucleotide variant.
Coding change: c.502G>T on transcript NM_020831.6 (MANE Select); coding-DNA position 502, G replaced by T.
Protein change: p.Asp168Tyr; replaces aspartic acid 168 with tyrosine.
Molecular consequence: missense variant.
Genome position (GRCh38, 1-based): chr22:40,429,705, C>A on the plus strand (G>T on the coding strand, the complement: MRTFA is on the minus strand). VCF-style: chr22-40429705-C-A. GRCh37 (hg19) VCF-style: chr22-40825709-C-A.
Other names: c.202G>T, p.Asp68Tyr (NM_001282660.2); c.502G>T, p.Asp168Tyr (NM_001282661.3, NM_001282662.3); c.307G>T, p.Asp103Tyr (NM_001318139.2); short protein forms D103Y, D168Y, D68Y.
Identifiers: ClinVar variation 3690267 (VCV003690267.2).

ClinVar aggregate classification (germline): Uncertain significance (1 of 4 stars; one submission).

Submission:

Labcorp Genetics (formerly Invitae), Labcorp
Classification: Uncertain significance. Last evaluated: 2024-06-16. Review status: criteria provided, single submitter. Criteria: Invitae Variant Classification Sherloc (09022015). Collection method: clinical testing. Allele origin: germline.
Comment: This sequence change replaces aspartic acid, which is acidic and polar, with tyrosine, which is neutral and polar, at codon 68 of the MKL1 protein (p.Asp68Tyr). This variant is not present in population databases (gnomAD no frequency). This variant has not been reported in the literature in individuals affected with MKL1-related conditions. An algorithm developed to predict the effect of missense changes on protein structure and function (PolyPhen-2) suggests that this variant is likely to be disruptive. In summary, the available evidence is currently insufficient to determine the role of this variant in disease. Therefore, it has been classified as a Variant of Uncertain Significance.